The following is an entry in ClinVar:

ClinVar aggregate classification (germline): Uncertain significance. Review status: criteria provided, multiple submitters, no conflicts (2 of 4 stars). 2 submissions from 2 submitters: Uncertain significance (2). Last evaluated 2025-06-07.

Conditions:
Acrocallosal syndrome (ACLS). Also called: HALLUX DUPLICATION, POSTAXIAL POLYDACTYLY, AND ABSENCE OF CORPUS CALLOSUM; Schinzel syndrome 1; Absence of corpus callosum with unusual facial appearance, mental deficiency, duplication of the halluces and polydactyly. Identifiers: Orphanet 36, MedGen C0796147, MONDO:0008708, OMIM 200990.
Inborn genetic diseases. Identifiers: MedGen C0950123, MeSH D030342.

Allele frequency attached by ClinVar (database versions not stated): gnomAD exomes below 0.00001.

Submissions (2):

Ambry Genetics
Classification: Uncertain significance for Inborn genetic diseases. Last evaluated: 2025-06-07. Review status: criteria provided, single submitter. Criteria: Ambry Variant Classification Scheme 2023. Collection method: clinical testing. Allele origin: germline.

Labcorp Genetics (formerly Invitae), Labcorp
Classification: Uncertain significance for Acrocallosal syndrome. Last evaluated: 2022-05-17. Review status: criteria provided, single submitter. Criteria: Invitae Variant Classification Sherloc (09022015). Collection method: clinical testing. Allele origin: germline.
Comment: This variant is not present in population databases (gnomAD no frequency). This variant has not been reported in the literature in individuals affected with KIF7-related conditions. Algorithms developed to predict the effect of missense changes on protein structure and function are either unavailable or do not agree on the potential impact of this missense change (SIFT: "Deleterious"; PolyPhen-2: "Probably Damaging"; Align-GVGD: "Class C0"). In summary, the available evidence is currently insufficient to determine the role of this variant in disease. Therefore, it has been classified as a Variant of Uncertain Significance. This sequence change replaces leucine, which is neutral and non-polar, with proline, which is neutral and non-polar, at codon 20 of the KIF7 protein (p.Leu20Pro).

NM_198525.3(KIF7):c.59T>C (p.Leu20Pro)

Gene: KIF7 (kinesin family member 7; minus strand). Cytogenetic location: 15q26.1.
Variant type: single nucleotide variant.
Coding change: c.59T>C on transcript NM_198525.3 (MANE Select); coding-DNA position 59, T replaced by C.
Protein change: p.Leu20Pro; replaces leucine 20 with proline.
Molecular consequence: missense variant.
Genome position (GRCh38, 1-based): chr15:89,652,872, A>G on the plus strand (T>C on the coding strand, the complement: KIF7 is on the minus strand). VCF-style: chr15-89652872-A-G. GRCh37 (hg19) VCF-style: chr15-90196103-A-G.
Other names: c.59T>C (NM_198525.2); short protein forms L20P.
Identifiers: ClinVar variation 1995594 (VCV001995594.5), dbSNP rs2505510887, ClinGen allele CA393780985.